The following is an entry in ClinVar:

NM_014363.6(SACS):c.8283G>A (p.Val2761=)

Gene: SACS (sacsin molecular chaperone; minus strand). Cytogenetic location: 13q12.12.
Variant type: single nucleotide variant.
Coding change: c.8283G>A on transcript NM_014363.6 (MANE Select); coding-DNA position 8283, G replaced by A.
Protein change: p.Val2761=; no amino-acid change (valine 2761 retained).
Molecular consequence: synonymous variant.
Genome position (GRCh38, 1-based): chr13:23,335,593, C>T on the plus strand (G>A on the coding strand, the complement: SACS is on the minus strand). VCF-style: chr13-23335593-C-T. GRCh37 (hg19) VCF-style: chr13-23909732-C-T.
Other names: c.8283G>A (NM_014363.5); c.7842G>A, p.Val2614= (NM_001278055.2).
Identifiers: ClinVar variation 2695660 (VCV002695660.4), dbSNP rs750602727, ClinGen allele CA6910793.
Genomic context (GRCh38, chr13:23,335,593, plus strand): 5'-ATGAAATTGTTTCCTTTTCAATCTGTCTCCATCTGTGATTTTGCCCTTTACTGAATACAG[C>T]ACATTTAGAGCTCCAGTACTCTTATCTATTTCACAAATAGAAATTTTTTCCATGTGATTA-3'
Protein context (NP_055178.3, residues 2751-2771): EIDKSTGALN[Val2761=]LYSVKGKITD

ClinVar aggregate classification (germline): Likely benign. Review status: criteria provided, multiple submitters, no conflicts (2 of 4 stars). 2 submissions from 2 submitters: Likely benign (2). Last evaluated 2025-12-30.

Conditions:
SACS-related disorder. Also called: SACS-related condition.
Spastic paraplegia. Identifiers: MedGen C0037772, HP:0001258.

Allele frequency attached by ClinVar (database versions not stated): ExAC 0.00001; gnomAD 0.00001; gnomAD exomes 0.00001; TOPMed 0.00001.
gnomAD v4.1: 13 of 1,613,704 alleles (0.00081%); highest among the groups gnomAD compares: Non-Finnish European, 0.0011%; no homozygotes.

Submissions (2):

PreventionGenetics, part of Exact Sciences
Classification: Likely benign for SACS-related condition. Last evaluated: 2025-12-30. Review status: criteria provided, single submitter. Criteria: ACMG Guidelines, 2015. Collection method: clinical testing. Allele origin: germline.
Comment: This variant is classified as likely benign based on ACMG/AMP sequence variant interpretation guidelines (Richards et al. 2015 PMID: 25741868, with internal and published modifications).

Labcorp Genetics (formerly Invitae), Labcorp
Classification: Likely benign for Spastic paraplegia. Last evaluated: 2023-11-06. Review status: criteria provided, single submitter. Criteria: Invitae Variant Classification Sherloc (09022015). Collection method: clinical testing. Allele origin: germline.